The following is an entry in ClinVar:

NM_002180.3(IGHMBP2):c.2176G>A (p.Val726Met)

Gene: IGHMBP2 (immunoglobulin mu DNA binding protein 2; plus strand). Cytogenetic location: 11q13.3.
Variant type: single nucleotide variant.
Coding change: c.2176G>A on transcript NM_002180.3 (MANE Select); coding-DNA position 2176, G replaced by A.
Protein change: p.Val726Met; replaces valine 726 with methionine.
Molecular consequence: missense variant.
Genome position (GRCh38, 1-based): chr11:68,936,656, G>A. VCF-style: chr11-68936656-G-A. GRCh37 (hg19) VCF-style: chr11-68704124-G-A.
Other names: short protein forms V726M.
Identifiers: ClinVar variation 245631 (VCV000245631.59), dbSNP rs143986510, ClinGen allele CA6153850.
Genomic context (GRCh38, chr11:68,936,656, plus strand): 5'-GCTCCATCTCAGCCCAGCCTCAACGGAGGCAGCCCAGAGGGAGTGGAGAGCCAAGATGGC[G>A]TGGACCACTTCCGGGCCATGATAGTGGAGTTCATGGCCAGCAAGAAGATGCAGTTGGAGT-3'
Protein context (NP_002171.2, residues 716-736): SPEGVESQDG[Val726Met]DHFRAMIVEF

ClinVar aggregate classification (germline): Conflicting classifications of pathogenicity. Review status: criteria provided, conflicting classifications (1 of 4 stars). 10 submissions from 10 submitters: Uncertain significance (7); Likely benign (3). Last evaluated 2026-01-24.

Conditions:
Inborn genetic diseases. Identifiers: MedGen C0950123, MeSH D030342.
Charcot-Marie-Tooth disease axonal type 2S. Also called: CHARCOT-MARIE-TOOTH DISEASE, AXONAL, AUTOSOMAL RECESSIVE, TYPE 2S; CHARCOT-MARIE-TOOTH NEUROPATHY, TYPE 2S. Identifiers: Orphanet 443073, MedGen C4015349, MONDO:0014511, OMIM 616155.
Autosomal recessive distal spinal muscular atrophy 1. Also called: HMN VI; NEURONOPATHY, SEVERE INFANTILE AXONAL, WITH RESPIRATORY FAILURE; SEVERE INFANTILE AXONAL NEUROPATHY WITH RESPIRATORY FAILURE; SPINAL MUSCULAR ATROPHY, DIAPHRAGMATIC; Spinal muscular atrophy with respiratory distress 1; NEURONOPATHY, DISTAL HEREDITARY MOTOR, HARDING TYPE VI. Identifiers: Orphanet 98920, MedGen C1858517, MONDO:0011436, OMIM 604320.

Allele frequency attached by ClinVar (database versions not stated): 1000 Genomes Project 30x 0.00016; 1000 Genomes Project 0.00020; ExAC 0.00044; gnomAD 0.00048 and 0.00049; gnomAD exomes 0.00050 and 0.00081; TOPMed 0.00054; ESP Exome Variant Server 0.00085.
gnomAD v4.1: 1,259 of 1,613,956 alleles (0.078%); highest among the groups gnomAD compares: Non-Finnish European, 0.092%; no homozygotes.

Submissions (10):

Labcorp Genetics (formerly Invitae), Labcorp
Classification: Likely benign for Autosomal recessive distal spinal muscular atrophy 1; Charcot-Marie-Tooth disease axonal type 2S. Last evaluated: 2026-01-24. Review status: criteria provided, single submitter. Criteria: Invitae Variant Classification Sherloc (09022015). Collection method: clinical testing. Allele origin: germline.

GeneDx
Classification: Likely benign. Last evaluated: 2025-09-02. Review status: criteria provided, single submitter. Criteria: GeneDx Variant Classification Process June 2021. Collection method: clinical testing. Allele origin: germline. Affected: yes.
Comment: See Variant Classification Assertion Criteria.

CeGaT Center for Human Genetics Tuebingen
Classification: Uncertain significance. Last evaluated: 2023-02-01. Review status: criteria provided, single submitter. Criteria: CeGaT Center For Human Genetics Tuebingen Variant Classification Criteria Version 2. Collection method: clinical testing. Allele origin: germline. Affected: yes. Observed: 1 variant allele.
Comment: IGHMBP2: PM2, BP4

Department of Pathology and Laboratory Medicine, Sinai Health System
Classification: Uncertain significance for Autosomal recessive distal spinal muscular atrophy 1; Charcot-Marie-Tooth disease axonal type 2S. Last evaluated: 2022-01-26. Review status: criteria provided, single submitter. Criteria: ACMG Guidelines, 2015. Collection method: research. Allele origin: germline.

Ambry Genetics
Classification: Likely benign for Inborn genetic diseases. Last evaluated: 2021-11-22. Review status: criteria provided, single submitter. Criteria: Ambry Variant Classification Scheme 2023. Collection method: clinical testing. Allele origin: germline.

ARUP Laboratories, Molecular Genetics and Genomics, ARUP Laboratories
Classification: Uncertain significance. Last evaluated: 2021-09-17. Review status: criteria provided, single submitter. Criteria: ARUP Molecular Germline Variant Investigation Process 2021. Collection method: clinical testing. Allele origin: germline.
Comment: The IGHMBP2 c.2176G>A; p.Val726Met variant (rs143986510) is reported in the literature in an individual affected with amyotrophic lateral sclerosis along with a pathogenic SQSTM1 variant (Pensato 2020), and an individual affected with congenital hypomyelinating neuropathy along with a de novo likely pathogenic SETX variant (Blake 2020). This variant is also reported in ClinVar (Variation ID: 245631). This variant is found in the South Asian population with an allele frequency of 0.098% (30/30606 alleles). The valine at codon 726 is weakly conserved, but computational analyses are uncertain whether this variant is neutral or deleterious (REVEL: 0.18). Due to limited information, the clinical significance of this variant is uncertain at this time.

Mayo Clinic Laboratories, Mayo Clinic
Classification: Uncertain significance. Last evaluated: 2020-10-19. Review status: criteria provided, single submitter. Criteria: ACMG Guidelines, 2015. Collection method: clinical testing. Allele origin: germline. Observed: 1 variant allele.

Revvity Omics, Revvity
Classification: Uncertain significance. Last evaluated: 2019-06-25. Review status: criteria provided, single submitter. Criteria: ACMG Guidelines, 2015. Collection method: clinical testing. Allele origin: germline.

Illumina Laboratory Services, Illumina
Classification: Uncertain significance for Autosomal recessive distal spinal muscular atrophy 1. Last evaluated: 2018-01-12. Review status: criteria provided, single submitter. Criteria: ICSL Variant Classification Criteria 13 December 2019. Collection method: clinical testing. Allele origin: germline.

Eurofins Ntd Llc (ga)
Classification: Uncertain significance. Last evaluated: 2016-06-03. Review status: criteria provided, single submitter. Criteria: EGL Classification Definitions 2015. Collection method: clinical testing. Allele origin: germline. Observed: 1 variant allele, 1 heterozygote.